The following is an entry in ClinVar:

ClinVar aggregate classification (germline): Pathogenic (1 of 4 stars; one submission).

Conditions:
Neuropathy, hereditary sensory and autonomic, type 2A (HSAN2A). Also called: HSAN IIA; MORVAN DISEASE; NEUROPATHY, CONGENITAL SENSORY; NEUROPATHY, HEREDITARY SENSORY RADICULAR, AUTOSOMAL RECESSIVE; NEUROPATHY, HEREDITARY SENSORY, TYPE IIA; NEUROPATHY, PROGRESSIVE SENSORY, OF CHILDREN. Identifiers: Orphanet 970, MedGen C2752089, MONDO:0024309, OMIM 201300.
Generalized epilepsy with febrile seizures plus, type 7 (GEFSP7). Also called: GEFS+, TYPE 7. Identifiers: Orphanet 36387, MedGen C2751778, MONDO:0013470, OMIM 613863.

Submission:

Labcorp Genetics (formerly Invitae), Labcorp
Classification: Pathogenic for Neuropathy, hereditary sensory and autonomic, type 2A; Generalized epilepsy with febrile seizures plus, type 7. Last evaluated: 2022-05-01. Review status: criteria provided, single submitter. Criteria: Invitae Variant Classification Sherloc (09022015). Collection method: clinical testing. Allele origin: germline.
Comment: For these reasons, this variant has been classified as Pathogenic. This variant has not been reported in the literature in individuals affected with SCN9A-related conditions. This variant is not present in population databases (gnomAD no frequency). This sequence change creates a premature translational stop signal (p.Arg677Serfs*4) in the SCN9A gene. It is expected to result in an absent or disrupted protein product. Loss-of-function variants in SCN9A are known to be pathogenic (PMID: 17470132, 19304393).

Literature cited by the submitters: PubMed 17470132; PubMed 19304393.

NM_001365536.1(SCN9A):c.2064_2065del (p.Arg688fs)

Genes: SCN9A (sodium voltage-gated channel alpha subunit 9; minus strand), SCN1A-AS1 (SCN1A and SCN9A antisense RNA 1; plus strand). Cytogenetic location: 2q24.3.
Variant type: Microsatellite.
Coding change: c.2064_2065del on transcript NM_001365536.1 (MANE Select); coding-DNA positions 2064 to 2065, 2 bases deleted (AG; older notation c.2064_2065delAG).
Protein change: p.Arg688fs; shifts the reading frame from arginine 688.
Molecular consequence: frameshift variant.
Genome position (GRCh38, 1-based): chr2:166,281,718-166,281,719, CT deleted on the plus strand (AG on the coding strand, the reverse complement: SCN9A is on the minus strand); deleting any 2 consecutive bases within chr2:166,281,718-166,281,723 gives the same sequence; the c. name uses the placement nearest the transcript's 3' end. VCF-style (leftmost placement, unchanged base first): chr2-166281717-GCT-G. GRCh37 (hg19) VCF-style: chr2-167138227-GCT-G.
Other names: c.2027_2028AG[2], p.Arg677Serfs (NM_002977.4); short protein forms R688fs, R677fs.
Identifiers: ClinVar variation 2064727 (VCV002064727.4), dbSNP rs2468024409, ClinGen allele CA2580614409.